The following is an entry in ClinVar:

ClinVar aggregate classification (germline): Likely pathogenic (1 of 4 stars; one submission).

Conditions:
Hereditary spastic paraplegia 11. Also called: SPASTIC PARAPLEGIA, AUTOSOMAL RECESSIVE, COMPLICATED, WITH THIN CORPUS CALLOSUM; SPASTIC PARAPLEGIA, AUTOSOMAL RECESSIVE, WITH MENTAL IMPAIRMENT AND THIN CORPUS CALLOSUM; Spastic Paraplegia 11; Spastic paraplegia, mental retardation and thin corpus callosum; Nakamura Osame syndrome; Autosomal recessive hereditary spastic paraplegia, mental impairment, and thin corpus callosum. Identifiers: Orphanet 2822, MedGen C1858479, MONDO:0011445, OMIM 604360.

Submission:

Kariminejad - Najmabadi Pathology & Genetics Center
Classification: Likely pathogenic for Hereditary spastic paraplegia 11. Last evaluated: 2024-08-13. Review status: criteria provided, single submitter. Criteria: ACMG Guidelines, 2015. Collection method: clinical testing. Allele origin: germline. Inheritance: Autosomal recessive inheritance. Affected: yes.
Comment: PVS1_vs,PM2

NM_025137.4(SPG11):c.80del (p.Pro27fs)

Gene: SPG11 (SPG11 vesicle trafficking associated, spatacsin; minus strand). Cytogenetic location: 15q21.1.
Variant type: Deletion.
Coding change: c.80del on transcript NM_025137.4 (MANE Select); coding-DNA position 80, one base deleted (C; older notation c.80delC).
Protein change: p.Pro27fs; shifts the reading frame from proline 27.
Molecular consequence: frameshift variant.
Genome position (GRCh38, 1-based): chr15:44,663,568, G deleted on the plus strand (C on the coding strand, the reverse complement: SPG11 is on the minus strand); the first of 2 consecutive G bases (chr15:44,663,568-44,663,569); deleting either gives the same sequence. VCF-style (leftmost placement, unchanged base first): chr15-44663567-CG-C. GRCh37 (hg19) VCF-style: chr15-44955765-CG-C.
Other names: c.80del, p.Pro27fs (NM_001160227.2, NM_001411132.1); short protein forms P27fs.
Identifiers: ClinVar variation 3897025 (VCV003897025.1).